The following is an entry in ClinVar:

ClinVar aggregate classification (germline): Uncertain significance (1 of 4 stars; one submission).

Conditions:
Developmental and epileptic encephalopathy, 12 (DEE12). Identifiers: MedGen C3150988, MONDO:0013389, OMIM 613722.

Submission:

Labcorp Genetics (formerly Invitae), Labcorp
Classification: Uncertain significance for Developmental and epileptic encephalopathy, 12. Last evaluated: 2021-06-22. Review status: criteria provided, single submitter. Criteria: Invitae Variant Classification Sherloc (09022015). Collection method: clinical testing. Allele origin: germline.
Comment: In summary, the available evidence is currently insufficient to determine the role of this variant in disease. Therefore, it has been classified as a Variant of Uncertain Significance. Algorithms developed to predict the effect of missense changes on protein structure and function (SIFT, PolyPhen-2, Align-GVGD) all suggest that this variant is likely to be tolerated, but these predictions have not been confirmed by published functional studies and their clinical significance is uncertain. This variant has not been reported in the literature in individuals with PNKP-related conditions. This variant is not present in population databases (ExAC no frequency). This sequence change replaces isoleucine with phenylalanine at codon 285 of the PNKP protein (p.Ile285Phe). The isoleucine residue is weakly conserved and there is a small physicochemical difference between isoleucine and phenylalanine.

NM_007254.4(PNKP):c.853A>T (p.Ile285Phe)

Gene: PNKP (polynucleotide kinase 3'-phosphatase; minus strand). Cytogenetic location: 19q13.33.
Variant type: single nucleotide variant.
Coding change: c.853A>T on transcript NM_007254.4 (MANE Select); coding-DNA position 853, A replaced by T.
Protein change: p.Ile285Phe; replaces isoleucine 285 with phenylalanine.
Molecular consequence: missense variant.
Genome position (GRCh38, 1-based): chr19:49,862,702, T>A on the plus strand (A>T on the coding strand, the complement: PNKP is on the minus strand). VCF-style: chr19-49862702-T-A. GRCh37 (hg19) VCF-style: chr19-50365959-T-A.
Other names: short protein forms I285F.
Identifiers: ClinVar variation 1363093 (VCV001363093.8), dbSNP rs750224965, ClinGen allele CA406882327.